The following is an entry in ClinVar:

NM_000094.4(COL7A1):c.7792C>T (p.Pro2598Ser)

Gene: COL7A1 (collagen type VII alpha 1 chain; minus strand). Cytogenetic location: 3p21.31.
Variant type: single nucleotide variant.
Coding change: c.7792C>T on transcript NM_000094.4 (MANE Select); coding-DNA position 7792, C replaced by T.
Protein change: p.Pro2598Ser; replaces proline 2598 with serine.
Molecular consequence: missense variant.
Genome position (GRCh38, 1-based): chr3:48,568,501, G>A on the plus strand (C>T on the coding strand, the complement: COL7A1 is on the minus strand). VCF-style: chr3-48568501-G-A. GRCh37 (hg19) VCF-style: chr3-48605934-G-A.
Other names: short protein forms P2598S.
Identifiers: ClinVar variation 1463815 (VCV001463815.8), dbSNP rs2107638447, ClinGen allele CA352642148.

ClinVar aggregate classification (germline): Uncertain significance (1 of 4 stars; one submission).

Allele frequency attached by ClinVar (database versions not stated): gnomAD exomes below 0.00001.
gnomAD v4.1: 1 of 1,605,416 alleles (0.000062%); no homozygotes.

Submission:

Labcorp Genetics (formerly Invitae), Labcorp
Classification: Uncertain significance. Last evaluated: 2021-05-03. Review status: criteria provided, single submitter. Criteria: Invitae Variant Classification Sherloc (09022015). Collection method: clinical testing. Allele origin: germline.
Comment: In summary, the available evidence is currently insufficient to determine the role of this variant in disease. Therefore, it has been classified as a Variant of Uncertain Significance. Advanced modeling of protein sequence and biophysical properties (such as structural, functional, and spatial information, amino acid conservation, physicochemical variation, residue mobility, and thermodynamic stability) performed at Invitae indicates that this missense variant is not expected to disrupt COL7A1 protein function. This variant has not been reported in the literature in individuals with COL7A1-related conditions. This variant is not present in population databases (ExAC no frequency). This sequence change replaces proline with serine at codon 2598 of the COL7A1 protein (p.Pro2598Ser). The proline residue is highly conserved and there is a moderate physicochemical difference between proline and serine.